The following is an entry in ClinVar:

NM_018263.6(ASXL2):c.3223C>T (p.Arg1075Trp)

Gene: ASXL2 (ASXL transcriptional regulator 2; minus strand). Cytogenetic location: 2p23.3.
Variant type: single nucleotide variant.
Coding change: c.3223C>T on transcript NM_018263.6 (MANE Select); coding-DNA position 3223, C replaced by T.
Protein change: p.Arg1075Trp; replaces arginine 1075 with tryptophan.
Molecular consequence: missense variant.
Genome position (GRCh38, 1-based): chr2:25,743,114, G>A on the plus strand (C>T on the coding strand, the complement: ASXL2 is on the minus strand). VCF-style: chr2-25743114-G-A. GRCh37 (hg19) VCF-style: chr2-25965983-G-A.
Other names: c.3049C>T, p.Arg1017Trp (NM_001369346.1); c.2443C>T, p.Arg815Trp (NM_001369347.1); short protein forms R1017W, R815W, R1075W.
Identifiers: ClinVar variation 1410260 (VCV001410260.16), dbSNP rs200946888, ClinGen allele CA1557511.

ClinVar aggregate classification (germline): Benign/Likely benign. Review status: criteria provided, multiple submitters, no conflicts (2 of 4 stars). 2 submissions from 2 submitters: Benign (1); Likely benign (1). Last evaluated 2025-09-25.

Allele frequency attached by ClinVar (database versions not stated): ExAC 0.00008; gnomAD 0.00009; ESP Exome Variant Server 0.00025.
gnomAD v4.1: 276 of 1,613,848 alleles (0.017%); highest among the groups gnomAD compares: Non-Finnish European, 0.021%; no homozygotes.

Submissions (2):

Labcorp Genetics (formerly Invitae), Labcorp
Classification: Benign. Last evaluated: 2025-09-25. Review status: criteria provided, single submitter. Criteria: Invitae Variant Classification Sherloc (09022015). Collection method: clinical testing. Allele origin: germline.

CeGaT Center for Human Genetics Tuebingen
Classification: Likely benign. Last evaluated: 2025-08-01. Review status: criteria provided, single submitter. Criteria: CeGaT Center For Human Genetics Tuebingen Variant Classification Criteria Version 2. Collection method: clinical testing. Allele origin: germline. Affected: yes. Observed: 1 variant allele.
Comment: ASXL2: BP4, BS2